The following is an entry in ClinVar:

ClinVar aggregate classification (germline): Uncertain significance (1 of 4 stars; one submission).

Submission:

Ambry Genetics
Classification: Uncertain significance. Last evaluated: 2025-06-01. Review status: criteria provided, single submitter. Criteria: Ambry Variant Classification Scheme 2023. Collection method: clinical testing. Allele origin: germline.
Comment: The p.I249N variant (also known as c.746T>A), located in coding exon 1 of the MC1R gene, results from a T to A substitution at nucleotide position 746. The isoleucine at codon 249 is replaced by asparagine, an amino acid with dissimilar properties. This amino acid position is conserved. In addition, this alteration is predicted to be tolerated by in silico analysis. Based on the available evidence, the clinical significance of this variant remains unclear.

NM_002386.4(MC1R):c.746T>A (p.Ile249Asn)

Gene: MC1R (melanocortin 1 receptor; plus strand). Cytogenetic location: 16q24.3.
Variant type: single nucleotide variant.
Coding change: c.746T>A on transcript NM_002386.4 (MANE Select); coding-DNA position 746, T replaced by A.
Protein change: p.Ile249Asn; replaces isoleucine 249 with asparagine.
Molecular consequence: missense variant.
Genome position (GRCh38, 1-based): chr16:89,920,004, T>A. VCF-style: chr16-89920004-T-A. GRCh37 (hg19) VCF-style: chr16-89986412-T-A.
Other names: short protein forms I249N.
Identifiers: ClinVar variation 4052439 (VCV004052439.1).